The following is an entry in ClinVar:

NM_000834.5(GRIN2B):c.4028C>T (p.Ser1343Leu)

Gene: GRIN2B (glutamate ionotropic receptor NMDA type subunit 2B; minus strand). Cytogenetic location: 12p13.1.
Variant type: single nucleotide variant.
Coding change: c.4028C>T on transcript NM_000834.5 (MANE Select); coding-DNA position 4028, C replaced by T.
Protein change: p.Ser1343Leu; replaces serine 1343 with leucine.
Molecular consequence: missense variant.
Genome position (GRCh38, 1-based): chr12:13,563,210, G>A on the plus strand (C>T on the coding strand, the complement: GRIN2B is on the minus strand). VCF-style: chr12-13563210-G-A. GRCh37 (hg19) VCF-style: chr12-13716144-G-A.
Other names: c.4028C>T, p.Ser1343Leu (NM_001413992.1); short protein forms S1343L.
Identifiers: ClinVar variation 2942293 (VCV002942293.3), dbSNP rs1948573387, ClinGen allele CA383986854.
Genomic context (GRCh38, chr12:13,563,210, plus strand): 5'-TGGTGATGTCCGGCAGTGGGCACTGAGGACTTGTTGTTGGCAAAGGTGCTCTCGCCAGCT[G>A]ACATCTCAAACATGTGGGCGTAGGGGCTCCCATCCATGAATCGGCCCTTGTCTTTCAGGC-3'
Protein context (NP_000825.2, residues 1333-1353): GSPYAHMFEM[Ser1343Leu]AGESTFANNK

ClinVar aggregate classification (germline): Uncertain significance (1 of 4 stars; one submission).

Conditions:
Intellectual developmental disorder, autosomal dominant 6, with or without seizures. Also called: GRIN2B-related developmental delay, intellectual disability and autism spectrum disorder; Intellectual disability, autosomal dominant 6. Identifiers: Orphanet 589547, MedGen C3151411, MONDO:0013509, OMIM 613970.
Developmental and epileptic encephalopathy, 27 (DEE27). Also called: Epileptic encephalopathy, early infantile, 27; GRIN2B-Related Neurodevelopmental Disorder. Identifiers: Orphanet 3451, MedGen C4015316, MONDO:0014505, OMIM 616139.

Allele frequency attached by ClinVar (database versions not stated): TOPMed below 0.00001.

Submission:

Labcorp Genetics (formerly Invitae), Labcorp
Classification: Uncertain significance for Developmental and epileptic encephalopathy, 27; Intellectual developmental disorder, autosomal dominant 6, with or without seizures. Last evaluated: 2022-12-14. Review status: criteria provided, single submitter. Criteria: Invitae Variant Classification Sherloc (09022015). Collection method: clinical testing. Allele origin: germline.
Comment: In summary, the available evidence is currently insufficient to determine the role of this variant in disease. Therefore, it has been classified as a Variant of Uncertain Significance. Advanced modeling of protein sequence and biophysical properties (such as structural, functional, and spatial information, amino acid conservation, physicochemical variation, residue mobility, and thermodynamic stability) performed at Invitae indicates that this missense variant is not expected to disrupt GRIN2B protein function. This variant has not been reported in the literature in individuals affected with GRIN2B-related conditions. This variant is not present in population databases (gnomAD no frequency). This sequence change replaces serine, which is neutral and polar, with leucine, which is neutral and non-polar, at codon 1343 of the GRIN2B protein (p.Ser1343Leu).